The following is an entry in ClinVar:

ClinVar aggregate classification (germline): Benign/Likely benign. Review status: criteria provided, multiple submitters, no conflicts (2 of 4 stars). 3 submissions from 3 submitters: Benign (1); Likely benign (2). Last evaluated 2026-06-08.

Conditions:
Hereditary cancer-predisposing syndrome. Also called: Neoplastic Syndromes, Hereditary; Tumor predisposition; Hereditary neoplastic syndrome; Hereditary Cancer Syndrome. Identifiers: Orphanet 140162, MedGen C0027672, MeSH D009386, MONDO:0015356.
Pheochromocytoma. Also called: MAX-Related Hereditary Paraganglioma-Pheochromocytoma Syndrome. Identifiers: Orphanet 29072, MedGen C0031511, MONDO:0008233, OMIM 171300, HP:0002666.
Hereditary pheochromocytoma and paraganglioma. Also called: Hereditary Paraganglioma-Pheochromocytoma Syndromes; Hereditary pheochromocytoma-paraganglioma; Hereditary paragangliomas and pheochromocytomas. Identifiers: Orphanet 29072, MedGen C4274332, MONDO:0017366.

Allele frequency attached by ClinVar (database versions not stated): gnomAD 0.00001.
gnomAD v4.1: 2 of 1,613,932 alleles (0.00012%); highest among the groups gnomAD compares: African/African-American, 0.0027%; no homozygotes.

Submissions (3):

Myriad Genetics, Inc.
Classification: Benign for Pheochromocytoma. Last evaluated: 2026-06-08. Review status: criteria provided, single submitter. Criteria: Myriad Autosomal Dominant, Autosomal Recessive and X-Linked Classification Criteria (2023). Collection method: clinical testing. Allele origin: unknown.
Comment: This variant is considered benign. This variant is a silent/synonymous amino acid change and it is not expected to impact splicing.

Labcorp Genetics (formerly Invitae), Labcorp
Classification: Likely benign for Hereditary pheochromocytoma and paraganglioma. Last evaluated: 2025-11-18. Review status: criteria provided, single submitter. Criteria: Invitae Variant Classification Sherloc (09022015). Collection method: clinical testing. Allele origin: germline.

Ambry Genetics
Classification: Likely benign for Hereditary cancer-predisposing syndrome. Last evaluated: 2020-02-25. Review status: criteria provided, single submitter. Criteria: Ambry Variant Classification Scheme 2023. Collection method: clinical testing. Allele origin: germline.

NM_002382.5(MAX):c.438T>C (p.Pro146=)

Gene: MAX (MYC associated transcriptional regulator X; minus strand). Cytogenetic location: 14q23.3.
Variant type: single nucleotide variant.
Coding change: c.438T>C on transcript NM_002382.5 (MANE Select); coding-DNA position 438, T replaced by C.
Protein change: p.Pro146=; no amino-acid change (proline 146 retained).
Molecular consequence: synonymous variant. On other transcripts: 3 prime UTR variant (12), non-coding transcript variant (7), intron variant (2).
Genome position (GRCh38, 1-based): chr14:65,076,521, A>G on the plus strand (T>C on the coding strand, the complement: MAX is on the minus strand). VCF-style: chr14-65076521-A-G. GRCh37 (hg19) VCF-style: chr14-65543239-A-G.
Other names: c.249T>C, p.Pro83= (NM_001320415.2, NM_001407105.1, NM_001407106.1 and 1 more transcripts); c.438T>C, p.Pro146= (NM_001407094.1); c.411T>C, p.Pro137= (NM_001407095.1, NM_145112.3); c.*211T>C (NM_001407096.1, NM_001407099.1, NM_001407102.1 and 2 more transcripts); c.*227T>C (NM_001407097.1, NM_001407100.1, NM_001407101.1 and 4 more transcripts); c.330T>C, p.Pro110= (NM_001407098.1); c.237T>C, p.Pro79= (NM_001407111.1, NM_001407112.1); c.144+17187T>C (NM_001271069.2); and 1 more.
Identifiers: ClinVar variation 1622049 (VCV001622049.12), dbSNP rs1259526031, ClinGen allele CA390031323.